The following is an entry in ClinVar:

NM_000494.4(COL17A1):c.2764C>A (p.Pro922Thr)

Gene: COL17A1 (collagen type XVII alpha 1 chain; minus strand). Cytogenetic location: 10q25.1.
Variant type: single nucleotide variant.
Coding change: c.2764C>A on transcript NM_000494.4 (MANE Select); coding-DNA position 2764, C replaced by A.
Protein change: p.Pro922Thr; replaces proline 922 with threonine.
Molecular consequence: missense variant.
Genome position (GRCh38, 1-based): chr10:104,039,997, G>T on the plus strand (C>A on the coding strand, the complement: COL17A1 is on the minus strand). VCF-style: chr10-104039997-G-T. GRCh37 (hg19) VCF-style: chr10-105799755-G-T.
Other names: c.2764C>A, p.Pro922Thr (LRG_1249t1); short protein forms P922T.
Identifiers: ClinVar variation 298704 (VCV000298704.13), dbSNP rs148761230, ClinGen allele CA5678269.

ClinVar aggregate classification (germline): Conflicting classifications of pathogenicity. Review status: criteria provided, conflicting classifications (1 of 4 stars). 4 submissions from 4 submitters: Uncertain significance (1); Likely benign (3). Last evaluated 2026-01-15.

Conditions:
Inborn genetic diseases. Identifiers: MedGen C0950123, MeSH D030342.
Junctional epidermolysis bullosa, non-Herlitz type. Also called: EPIDERMOLYSIS BULLOSA JUNCTIONALIS, DISENTIS TYPE; EPIDERMOLYSIS BULLOSA JUNCTIONALIS, NON-HERLITZ TYPE; EPIDERMOLYSIS BULLOSA JUNCTIONALIS, PROGRESSIVE; EPIDERMOLYSIS BULLOSA JUNCTIONALIS, SEVERE NONLETHAL; Adult junctional epidermolysis bullosa; Epidermolysis bullosa, junctional, non-herlitz type, somatic mosaic revertant. Identifiers: Orphanet 251393, Orphanet 79402, Orphanet 79405, Orphanet 89840, MedGen C0268374, MONDO:0009180, OMIM 226650.

Allele frequency attached by ClinVar (database versions not stated): gnomAD exomes 0.00012 and 0.00027; ExAC 0.00040; 1000 Genomes Project 30x 0.00047; 1000 Genomes Project 0.00060; gnomAD 0.00117 and 0.00131; TOPMed 0.00129; ESP Exome Variant Server 0.00138.

Submissions (4):

Labcorp Genetics (formerly Invitae), Labcorp
Classification: Likely benign. Last evaluated: 2026-01-15. Review status: criteria provided, single submitter. Criteria: Invitae Variant Classification Sherloc (09022015). Collection method: clinical testing. Allele origin: germline.

Ambry Genetics
Classification: Uncertain significance for Inborn genetic diseases. Last evaluated: 2024-03-01. Review status: criteria provided, single submitter. Criteria: Ambry Variant Classification Scheme 2023. Collection method: clinical testing. Allele origin: germline.

Illumina Laboratory Services, Illumina
Classification: Likely benign for Junctional epidermolysis bullosa, non-Herlitz type. Last evaluated: 2018-01-13. Review status: criteria provided, single submitter. Criteria: ICSL Variant Classification Criteria 13 December 2019. Collection method: clinical testing. Allele origin: germline.
Comment: This variant was observed in the ICSL laboratory as part of a predisposition screen in an ostensibly healthy population. It had not been previously curated by ICSL or reported in the Human Gene Mutation Database (HGMD: prior to June 1st, 2018), and was therefore a candidate for classification through an automated scoring system. Utilizing variant allele frequency, disease prevalence and penetrance estimates, and inheritance mode, an automated score was calculated to assess if this variant is too frequent to cause the disease. Based on the score and internal cut-off values, a variant classified as likely benign is not then subjected to further curation. The score for this variant resulted in a classification of likely benign for this disease.

Breakthrough Genomics
Classification: Likely benign. Review status: criteria provided, single submitter. Criteria: ACMG Guidelines, 2015. Collection method: not provided. Allele origin: germline. Inheritance: Autosomal recessive inheritance. Affected: yes.